The following is an entry in ClinVar:

NM_021803.4(IL21):c.128T>C (p.Ile43Thr)

Genes: IL21 (interleukin 21; minus strand), IL21-AS1 (IL21 antisense RNA 1; plus strand), LOC126807147 (CDK7 strongly-dependent group 2 enhancer GRCh37_chr4:123541308-123542507; plus strand). Cytogenetic location: 4q27.
Variant type: single nucleotide variant.
Coding change: c.128T>C on transcript NM_021803.4 (MANE Select); coding-DNA position 128, T replaced by C.
Protein change: p.Ile43Thr; replaces isoleucine 43 with threonine.
Molecular consequence: missense variant. On other transcripts: non-coding transcript variant (1).
Genome position (GRCh38, 1-based): chr4:122,620,884, A>G on the plus strand (T>C on the coding strand, the complement: IL21 is on the minus strand). VCF-style: chr4-122620884-A-G. GRCh37 (hg19) VCF-style: chr4-123542039-A-G.
Other names: c.128T>C, p.Ile43Thr (NM_001207006.3); short protein forms I43T.
Identifiers: ClinVar variation 3001686 (VCV003001686.3), dbSNP rs1182579210, ClinGen allele CA358221677.

ClinVar aggregate classification (germline): Uncertain significance (1 of 4 stars; one submission).

Allele frequency attached by ClinVar (database versions not stated): gnomAD exomes below 0.00001; TOPMed below 0.00001.
gnomAD v4.1: 6 of 1,614,080 alleles (0.00037%); highest among the groups gnomAD compares: South Asian, 0.0022%; no homozygotes.

Submission:

Labcorp Genetics (formerly Invitae), Labcorp
Classification: Uncertain significance. Last evaluated: 2024-03-13. Review status: criteria provided, single submitter. Criteria: Invitae Variant Classification Sherloc (09022015). Collection method: clinical testing. Allele origin: germline.
Comment: This sequence change replaces isoleucine, which is neutral and non-polar, with threonine, which is neutral and polar, at codon 43 of the IL21 protein (p.Ile43Thr). This variant is present in population databases (no rsID available, gnomAD 0.006%). This variant has not been reported in the literature in individuals affected with IL21-related conditions. An algorithm developed to predict the effect of missense changes on protein structure and function (PolyPhen-2) suggests that this variant is likely to be disruptive. In summary, the available evidence is currently insufficient to determine the role of this variant in disease. Therefore, it has been classified as a Variant of Uncertain Significance.